The following is an entry in ClinVar:

ClinVar aggregate classification (germline): Benign. Review status: criteria provided, multiple submitters, no conflicts (2 of 4 stars). 2 submissions from 2 submitters: Benign (2). Last evaluated 2018-06-19.

Allele frequency attached by ClinVar (database versions not stated): gnomAD exomes 0.08928; gnomAD 0.11841 and 0.12006; 1000 Genomes Project 0.12280; 1000 Genomes Project 30x 0.12461; TOPMed 0.12498; ExAC 0.14200.
gnomAD v4.1: 136,462 of 1,547,356 alleles (8.8%); highest among the groups gnomAD compares: African/African-American, 22%; 7,152 homozygotes.

Submissions (2):

GeneDx
Classification: Benign. Last evaluated: 2018-06-19. Review status: criteria provided, single submitter. Criteria: GeneDx Variant Classification (06012015). Collection method: clinical testing. Allele origin: germline. Affected: yes.
Comment: This variant is considered likely benign or benign based on one or more of the following criteria: it is a conservative change, it occurs at a poorly conserved position in the protein, it is predicted to be benign by multiple in silico algorithms, and/or has population frequency not consistent with disease.

Breakthrough Genomics
Classification: Benign. Review status: criteria provided, single submitter. Criteria: ACMG Guidelines, 2015. Collection method: not provided. Allele origin: germline. Inheritance: Autosomal recessive inheritance. Affected: yes.

NM_177550.5(SLC13A5):c.369-60C>T

Gene: SLC13A5 (solute carrier family 13 member 5; minus strand). Cytogenetic location: 17p13.1.
Variant type: single nucleotide variant.
Coding change: c.369-60C>T on transcript NM_177550.5 (MANE Select); 60 bases into the intron before coding-DNA position 369, C replaced by T.
Molecular consequence: intron variant.
Genome position (GRCh38, 1-based): chr17:6,704,116, G>A on the plus strand (C>T on the coding strand, the complement: SLC13A5 is on the minus strand). VCF-style: chr17-6704116-G-A. GRCh37 (hg19) VCF-style: chr17-6607435-G-A.
Other names: c.240-60C>T (NM_001284510.2); c.369-111C>T (NM_001284509.2); c.369-60C>T (NM_001143838.3).
Identifiers: ClinVar variation 674486 (VCV000674486.2), dbSNP rs218678, ClinGen allele CA8331738.